The following is an entry in ClinVar:

ClinVar aggregate classification (germline): Uncertain significance (1 of 4 stars; one submission).

Conditions:
Gamma-aminobutyric acid transaminase deficiency (GABATD). Also called: GABA aminotransaminase deficiency; GABA transaminase deficiency; Gamma aminobutyrate transaminase deficiency; 4 alpha aminobutyrate transaminase deficiency. Identifiers: Orphanet 2066, MedGen C0342708, MONDO:0013166, OMIM 613163.

Allele frequency attached by ClinVar (database versions not stated): gnomAD 0.00001; TOPMed 0.00001; gnomAD exomes 0.00004; ExAC 0.00006.
gnomAD v4.1: 20 of 1,614,020 alleles (0.0012%); highest among the groups gnomAD compares: East Asian, 0.0089%; no homozygotes.

Submission:

Labcorp Genetics (formerly Invitae), Labcorp
Classification: Uncertain significance for Gamma-aminobutyric acid transaminase deficiency. Last evaluated: 2022-05-29. Review status: criteria provided, single submitter. Criteria: Invitae Variant Classification Sherloc (09022015). Collection method: clinical testing. Allele origin: germline.
Comment: This variant has not been reported in the literature in individuals affected with ABAT-related conditions. This variant is present in population databases (rs764665721, gnomAD 0.006%). This sequence change replaces arginine, which is basic and polar, with glutamine, which is neutral and polar, at codon 436 of the ABAT protein (p.Arg436Gln). ClinVar contains an entry for this variant (Variation ID: 582402). In summary, the available evidence is currently insufficient to determine the role of this variant in disease. Therefore, it has been classified as a Variant of Uncertain Significance. Algorithms developed to predict the effect of missense changes on protein structure and function are either unavailable or do not agree on the potential impact of this missense change (SIFT: "Deleterious"; PolyPhen-2: "Benign"; Align-GVGD: "Class C0").

NM_020686.6(ABAT):c.1307G>A (p.Arg436Gln)

Gene: ABAT (4-aminobutyrate aminotransferase; plus strand). Cytogenetic location: 16p13.2.
Variant type: single nucleotide variant.
Coding change: c.1307G>A on transcript NM_020686.6 (MANE Select); coding-DNA position 1307, G replaced by A.
Protein change: p.Arg436Gln; replaces arginine 436 with glutamine.
Molecular consequence: missense variant. On other transcripts: intron variant (1).
Genome position (GRCh38, 1-based): chr16:8,779,516, G>A. VCF-style: chr16-8779516-G-A. GRCh37 (hg19) VCF-style: chr16-8873373-G-A.
Other names: c.1307G>A, p.Arg436Gln (NM_000663.5, NM_001127448.2, NM_001386600.1 and 5 more transcripts); c.1268G>A, p.Arg423Gln (NM_001386605.1); c.1244G>A, p.Arg415Gln (NM_001386606.1, NM_001386607.1); c.1214G>A, p.Arg405Gln (NM_001386608.1); c.1172G>A, p.Arg391Gln (NM_001386610.1, NM_001386611.1); c.1109G>A, p.Arg370Gln (NM_001386612.1, NM_001386613.1); c.1061G>A, p.Arg354Gln (NM_001386614.1); c.1403G>A, p.Arg468Gln (NM_001386615.1); and 1 more; short protein forms R436Q, R354Q, R370Q, R391Q, R405Q, R415Q, R423Q, R468Q.
Identifiers: ClinVar variation 582402 (VCV000582402.8), dbSNP rs764665721, ClinGen allele CA7893517.